The following is an entry in ClinVar:

NM_006031.6(PCNT):c.9611T>C (p.Ile3204Thr)

Gene: PCNT (pericentrin; plus strand). Cytogenetic location: 21q22.3.
Variant type: single nucleotide variant.
Coding change: c.9611T>C on transcript NM_006031.6 (MANE Select); coding-DNA position 9611, T replaced by C.
Protein change: p.Ile3204Thr; replaces isoleucine 3204 with threonine.
Molecular consequence: missense variant.
Genome position (GRCh38, 1-based): chr21:46,441,072, T>C. VCF-style: chr21-46441072-T-C. GRCh37 (hg19) VCF-style: chr21-47860985-T-C.
Other names: c.9020T>C, p.Ile3007Thr (NM_001315529.2); c.9611T>C (NM_006031.5); short protein forms I3007T, I3204T.
Identifiers: ClinVar variation 2434613 (VCV002434613.5), dbSNP rs770154169, ClinGen allele CA10081366.

ClinVar aggregate classification (germline): Uncertain significance. Review status: criteria provided, multiple submitters, no conflicts (2 of 4 stars). 3 submissions from 3 submitters: Uncertain significance (3). Last evaluated 2026-09-15.

Conditions:
Microcephalic osteodysplastic primordial dwarfism type II (MOPD2). Also called: MOPD II; OSTEODYSPLASTIC PRIMORDIAL DWARFISM, TYPE II; Microcephalic osteodysplastic primordial dwarfism with tooth abnormalities. Identifiers: Orphanet 2637, MedGen C0432246, MONDO:0008872, OMIM 210720.
PCNT-related disorder. Also called: PCNT-related condition.
Inborn genetic diseases. Identifiers: MedGen C0950123, MeSH D030342.

Allele frequency attached by ClinVar (database versions not stated): gnomAD 0.00002; gnomAD exomes 0.00007; ExAC 0.00012.
gnomAD v4.1: 100 of 1,609,300 alleles (0.0062%); highest among the groups gnomAD compares: South Asian, 0.1%; 1 homozygote.

Submissions (3):

PreventionGenetics, part of Exact Sciences
Classification: Uncertain significance for PCNT-related condition. Last evaluated: 2026-09-15. Review status: criteria provided, single submitter. Criteria: ACMG Guidelines, 2015. Collection method: clinical testing. Allele origin: germline.
Comment: The PCNT c.9611T>C variant is predicted to result in the amino acid substitution p.Ile3204Thr. To our knowledge, this variant has not been reported in the literature. This variant is reported in 0.091% of alleles in individuals of South Asian descent in gnomAD. At this time, the clinical significance of this variant is uncertain due to the absence of conclusive functional and genetic evidence.

Ambry Genetics
Classification: Uncertain significance for Inborn genetic diseases. Last evaluated: 2023-10-13. Review status: criteria provided, single submitter. Criteria: Ambry Variant Classification Scheme 2023. Collection method: clinical testing. Allele origin: germline.

Revvity Omics, Revvity
Classification: Uncertain significance for Microcephalic osteodysplastic primordial dwarfism type II. Last evaluated: 2021-03-18. Review status: criteria provided, single submitter. Criteria: ACMG Guidelines, 2015. Collection method: clinical testing. Allele origin: germline.